The following is an entry in ClinVar:

ClinVar aggregate classification (germline): Uncertain significance. Review status: criteria provided, multiple submitters, no conflicts (2 of 4 stars). 3 submissions from 3 submitters: Uncertain significance (3). Last evaluated 2025-03-22.

Conditions:
Drash syndrome (DDS). Also called: NEPHROPATHY, WILMS TUMOR, AND GENITAL ANOMALIES; WILMS TUMOR AND PSEUDO- OR TRUE HERMAPHRODITISM. Identifiers: Orphanet 220, MedGen C0950121, MONDO:0008682, OMIM 194080.
Frasier syndrome. Identifiers: Orphanet 347, MedGen C0950122, MeSH D052159, MONDO:0007635, OMIM 136680.
Wilms tumor 1 (WT1). Also called: Wilms tumor, somatic. Identifiers: Orphanet 654, MedGen CN033288, MONDO:0008679, OMIM 194070.
11p partial monosomy syndrome (WAGR). Also called: CHROMOSOME 11p13 DELETION SYNDROME; WAGR Spectrum Disorder; WAGR syndrome; WAGR Complex. Identifiers: Orphanet 893, MedGen C0206115, MONDO:0008681, OMIM 194072.
Inborn genetic diseases. Identifiers: MedGen C0950123, MeSH D030342.
Meacham syndrome. Also called: Meacham Winn Culler syndrome. Identifiers: Orphanet 3097, MedGen C1837026, MONDO:0012164, OMIM 608978.
Mesothelioma, malignant (MESOM). Also called: Malignant mesothelioma (disease). Identifiers: Orphanet 50251, MedGen C0345967, MONDO:0006292, OMIM 156240, HP:0100001.
Nephrotic syndrome, type 4 (NPHS4). Also called: Familial mesangial sclerosis; Nephrotic syndrome, early onset with diffuse mesangial sclerosis. Identifiers: Orphanet 656, MedGen C3151568, MONDO:0009733, OMIM 256370.

Allele frequency attached by ClinVar (database versions not stated): gnomAD exomes below 0.00001; TOPMed below 0.00001; gnomAD 0.00001.

Submissions (3):

Ambry Genetics
Classification: Uncertain significance for Inborn genetic diseases. Last evaluated: 2025-03-22. Review status: criteria provided, single submitter. Criteria: Ambry Variant Classification Scheme 2023. Collection method: clinical testing. Allele origin: germline.
Comment: The p.A45D variant (also known as c.134C>A), located in coding exon 1 of the WT1 gene, results from a C to A substitution at nucleotide position 134. The alanine at codon 45 is replaced by aspartic acid, an amino acid with dissimilar properties. This amino acid position is conserved. In addition, this alteration is predicted to be tolerated by in silico analysis. Based on the available evidence, the clinical significance of this variant remains unclear.

Fulgent Genetics
Classification: Uncertain significance for Frasier syndrome; Mesothelioma, malignant; Wilms tumor 1; Drash syndrome; Nephrotic syndrome, type 4; Meacham syndrome. Last evaluated: 2024-01-16. Review status: criteria provided, single submitter. Criteria: ACMG Guidelines, 2015. Collection method: clinical testing. Allele origin: germline.

Labcorp Genetics (formerly Invitae), Labcorp
Classification: Uncertain significance for Wilms tumor 1; Drash syndrome; 11p partial monosomy syndrome; Frasier syndrome. Last evaluated: 2021-08-31. Review status: criteria provided, single submitter. Criteria: Invitae Variant Classification Sherloc (09022015). Collection method: clinical testing. Allele origin: germline.
Comment: This sequence change replaces alanine with aspartic acid at codon 45 of the WT1 protein (p.Ala45Asp). The alanine residue is weakly conserved and there is a moderate physicochemical difference between alanine and aspartic acid. The frequency data for this variant in the population databases is considered unreliable, as metrics indicate insufficient coverage at this position in the ExAC database. This variant has not been reported in the literature in individuals affected with WT1-related conditions. Algorithms developed to predict the effect of missense changes on protein structure and function are either unavailable or do not agree on the potential impact of this missense change (SIFT: "Deleterious"; PolyPhen-2: "Benign"; Align-GVGD: "Class C0"). In summary, the available evidence is currently insufficient to determine the role of this variant in disease. Therefore, it has been classified as a Variant of Uncertain Significance.

NM_024426.6(WT1):c.149C>A (p.Ala50Asp)

Genes: WT1 (WT1 transcription factor; minus strand), LOC107982234 (WT1/WT1-AS bi-directional promoter region; plus strand). Cytogenetic location: 11p13.
Variant type: single nucleotide variant.
Coding change: c.149C>A on transcript NM_024426.6 (MANE Select); coding-DNA position 149, C replaced by A.
Protein change: p.Ala50Asp; replaces alanine 50 with aspartic acid.
Molecular consequence: missense variant. On other transcripts: non-coding transcript variant (1).
Genome position (GRCh38, 1-based): chr11:32,435,212, G>T on the plus strand (C>A on the coding strand, the complement: WT1 is on the minus strand). VCF-style: chr11-32435212-G-T. GRCh37 (hg19) VCF-style: chr11-32456758-G-T.
Other names: c.149C>A, p.Ala50Asp (NM_000378.6, NM_024424.5); short protein forms A50D.
Identifiers: ClinVar variation 944939 (VCV000944939.9), dbSNP rs967658170, ClinGen allele CA219511376.